The following is an entry in ClinVar:

ClinVar aggregate classification (germline): Uncertain significance. Review status: criteria provided, multiple submitters, no conflicts (2 of 4 stars). 3 submissions from 3 submitters: Uncertain significance (2). 1 of the submissions does not count toward it. Last evaluated 2025-10-21.

Conditions:
PMM2-congenital disorder of glycosylation. Also called: Congenital disorder of glycosylation, type Ia; CDG Ia; CARBOHYDRATE-DEFICIENT GLYCOPROTEIN SYNDROME, TYPE Ia; JAEKEN SYNDROME; PHOSPHOMANNOMUTASE 2 DEFICIENCY; PMM2-CDG. Identifiers: Orphanet 79318, MedGen C0349653, MONDO:0008907, OMIM 212065.
PMM2-related disorder. Also called: PMM2-related condition.

gnomAD v4.1: 10 of 1,606,160 alleles (0.00062%); highest among the groups gnomAD compares: Admixed American, 0.0017%; no homozygotes.

Submissions (3):

Labcorp Genetics (formerly Invitae), Labcorp
Classification: Uncertain significance for PMM2-congenital disorder of glycosylation. Last evaluated: 2025-10-21. Review status: criteria provided, single submitter. Criteria: Invitae Variant Classification Sherloc (09022015). Collection method: clinical testing. Allele origin: germline.
Comment: This sequence change replaces proline, which is neutral and non-polar, with leucine, which is neutral and non-polar, at codon 20 of the PMM2 protein (p.Pro20Leu). This variant is not present in population databases (gnomAD no frequency). This variant has not been reported in the literature in individuals affected with PMM2-related conditions. ClinVar contains an entry for this variant (Variation ID: 2164040). Invitae Evidence Modeling of protein sequence and biophysical properties (such as structural, functional, and spatial information, amino acid conservation, physicochemical variation, residue mobility, and thermodynamic stability) indicates that this missense variant is expected to disrupt PMM2 protein function with a positive predictive value of 95%. In summary, the available evidence is currently insufficient to determine the role of this variant in disease. Therefore, it has been classified as a Variant of Uncertain Significance.

Fulgent Genetics
Classification: Uncertain significance for PMM2-congenital disorder of glycosylation. Last evaluated: 2024-06-12. Review status: criteria provided, single submitter. Criteria: ACMG Guidelines, 2015. Collection method: clinical testing. Allele origin: germline.

PreventionGenetics, part of Exact Sciences
Classification: Likely pathogenic for PMM2-related condition. Last evaluated: 2024-01-25. Review status: no assertion criteria provided. Collection method: clinical testing. Allele origin: germline. Not counted in ClinVar's aggregate classification.
Comment: The PMM2 c.59C>T variant is predicted to result in the amino acid substitution p.Pro20Leu. To our knowledge, this variant has not been reported in the literature or in a large population database, indicating this variant is rare. Functional studies also indicated the p.Pro20Ser variant impacted protein activity (Le Bizec et al. 2005. PubMed ID: 15844218). Taken together, we interpret the c.59C>T (p.Pro20Leu) variant as likely pathogenic.

NM_000303.3(PMM2):c.59C>T (p.Pro20Leu)

Gene: PMM2 (phosphomannomutase 2; plus strand). Cytogenetic location: 16p13.2.
Variant type: single nucleotide variant.
Coding change: c.59C>T on transcript NM_000303.3 (MANE Select); coding-DNA position 59, C replaced by T.
Protein change: p.Pro20Leu; replaces proline 20 with leucine.
Molecular consequence: missense variant.
Genome position (GRCh38, 1-based): chr16:8,797,941, C>T. VCF-style: chr16-8797941-C-T. GRCh37 (hg19) VCF-style: chr16-8891798-C-T.
Other names: c.59C>T (NM_000303.2); short protein forms P20L.
Identifiers: ClinVar variation 2164040 (VCV002164040.5), dbSNP rs2060588870, ClinGen allele CA394694905.
Genomic context (GRCh38, chr16:8,797,941, plus strand): 5'-ACATGGCAGCGCCTGGCCCAGCGCTCTGCCTCTTCGACGTGGATGGGACCCTCACCGCCC[C>T]GCGGCAGGTAAGTGGCGGCCGGCGGGCTGCTGGCAGCCGACGCGGAGCCCGTGCTGTTCC-3'
Protein context (NP_000294.1, residues 10-30): LFDVDGTLTA[Pro20Leu]RQKITKEMDD